The following is an entry in ClinVar:

ClinVar aggregate classification (germline): Uncertain significance (1 of 4 stars; one submission).

Conditions:
Cardiovascular phenotype. Identifiers: MedGen CN230736.

Submission:

Ambry Genetics
Classification: Uncertain significance for Cardiovascular phenotype. Last evaluated: 2024-04-16. Review status: criteria provided, single submitter. Criteria: Ambry Variant Classification Scheme 2023. Collection method: clinical testing. Allele origin: germline.
Comment: The c.2102delA variant, located in coding exon 13 of the SCN10A gene, results from a deletion of one nucleotide at nucleotide position 2102, causing a translational frameshift with a predicted alternate stop codon (p.N701Tfs*39). This alteration is expected to result in loss of function by premature protein truncation or nonsense-mediated mRNA decay. However, the evidence for this gene-disease relationship is limited; therefore, the clinical significance of this alteration is unclear.

NM_006514.4(SCN10A):c.2102del (p.Asn701fs)

Gene: SCN10A (sodium voltage-gated channel alpha subunit 10; minus strand). Cytogenetic location: 3p22.2.
Variant type: Deletion.
Coding change: c.2102del on transcript NM_006514.4 (MANE Select); coding-DNA position 2102, one base deleted (A; older notation c.2102delA).
Protein change: p.Asn701fs; shifts the reading frame from asparagine 701.
Molecular consequence: frameshift variant.
Genome position (GRCh38, 1-based): chr3:38,742,295, T deleted on the plus strand (A on the coding strand, the reverse complement: SCN10A is on the minus strand); the first of 2 consecutive T bases (chr3:38,742,295-38,742,296); deleting either gives the same sequence. VCF-style (leftmost placement, unchanged base first): chr3-38742294-GT-G. GRCh37 (hg19) VCF-style: chr3-38783785-GT-G.
Other names: c.2102del, p.Asn701fs (NM_001293306.2); c.1808del, p.Asn603fs (NM_001293307.2); short protein forms N603fs, N701fs.
Identifiers: ClinVar variation 1785942 (VCV001785942.4), dbSNP rs1294888765, ClinGen allele CA542282348.
Genomic context (GRCh38, chr3:38,742,294, plus strand): 5'-TCATCCCCACCCCGCCCCGACCACGCCAGTGAGGGCAGTACCAGCCAGAGCACTCACGAT[GT>G]TGCCTATCTGGAGCATGGCTTCGAAGGTAGGGCTCATGCCATGGTGCTCCATGGCCATGA-3'